The following is an entry in ClinVar:

NM_000136.3(FANCC):c.599T>A (p.Val200Glu)

Genes: AOPEP (aminopeptidase O (putative); plus strand), FANCC (FA complementation group C; minus strand). Cytogenetic location: 9q22.32.
Variant type: single nucleotide variant.
Coding change: c.599T>A on transcript NM_000136.3 (MANE Select); coding-DNA position 599, T replaced by A.
Protein change: p.Val200Glu; replaces valine 200 with glutamic acid.
Molecular consequence: missense variant.
Genome position (GRCh38, 1-based): chr9:95,150,010, A>T on the plus strand (T>A on the coding strand, the complement: FANCC is on the minus strand). VCF-style: chr9-95150010-A-T. GRCh37 (hg19) VCF-style: chr9-97912292-A-T.
Other names: c.599T>A, p.Val200Glu (NM_001243743.2, NM_001243744.2); short protein forms V200E.
Identifiers: ClinVar variation 1498019 (VCV001498019.6), dbSNP rs2135427579, ClinGen allele CA374109694.

ClinVar aggregate classification (germline): Uncertain significance (1 of 4 stars; one submission).

Conditions:
Fanconi anemia (FA). Also called: Fanconi's anemia. Identifiers: Orphanet 84, MedGen C0015625, MeSH D005199, MONDO:0019391.

Submission:

Labcorp Genetics (formerly Invitae), Labcorp
Classification: Uncertain significance for Fanconi anemia. Last evaluated: 2024-05-29. Review status: criteria provided, single submitter. Criteria: Invitae Variant Classification Sherloc (09022015). Collection method: clinical testing. Allele origin: germline.
Comment: This sequence change replaces valine, which is neutral and non-polar, with glutamic acid, which is acidic and polar, at codon 200 of the FANCC protein (p.Val200Glu). This variant is not present in population databases (gnomAD no frequency). This variant has not been reported in the literature in individuals affected with FANCC-related conditions. ClinVar contains an entry for this variant (Variation ID: 1498019). Advanced modeling of protein sequence and biophysical properties (such as structural, functional, and spatial information, amino acid conservation, physicochemical variation, residue mobility, and thermodynamic stability) performed at Invitae indicates that this missense variant is expected to disrupt FANCC protein function with a positive predictive value of 80%. In summary, the available evidence is currently insufficient to determine the role of this variant in disease. Therefore, it has been classified as a Variant of Uncertain Significance.